The following is an entry in ClinVar:

ClinVar aggregate classification (germline): Uncertain significance. Review status: criteria provided, multiple submitters, no conflicts (2 of 4 stars). 3 submissions from 3 submitters: Uncertain significance (3). Last evaluated 2026-08-29.

Conditions:
Cardiomyopathy (CMYO). Also called: Cardiomyopathies. Identifiers: Orphanet 167848, MedGen C0878544, MONDO:0004994, HP:0001638. Inheritance: Various modes of inheritance.
Hypertrophic cardiomyopathy 1 (CMH1). Also called: MYH7-Related Familial Hypertrophic Cardiomyopathy; Familial hypertrophic cardiomyopathy 1. Identifiers: MedGen C3495498, MONDO:0008647, OMIM 192600.

Submissions (3):

Ambry Genetics
Classification: Uncertain significance. Last evaluated: 2026-08-29. Review status: criteria provided, single submitter. Criteria: Ambry Variant Classification Scheme 2023. Collection method: clinical testing. Allele origin: germline.
Comment: The p.L395F variant (also known as c.1183C>T), located in coding exon 7 of the MYLK2 gene, results from a C to T substitution at nucleotide position 1183. The leucine at codon 395 is replaced by phenylalanine, an amino acid with highly similar properties. This amino acid position is conserved. In addition, this alteration is predicted to be tolerated by in silico analysis. Based on the available evidence, the clinical significance of this variant remains unclear.

Labcorp Genetics (formerly Invitae), Labcorp
Classification: Uncertain significance for Hypertrophic cardiomyopathy 1. Last evaluated: 2025-11-08. Review status: criteria provided, single submitter. Criteria: Invitae Variant Classification Sherloc (09022015). Collection method: clinical testing. Allele origin: germline.
Comment: This sequence change replaces leucine, which is neutral and non-polar, with phenylalanine, which is neutral and non-polar, at codon 395 of the MYLK2 protein (p.Leu395Phe). This variant is not present in population databases (gnomAD no frequency). This variant has not been reported in the literature in individuals affected with MYLK2-related conditions. ClinVar contains an entry for this variant (Variation ID: 626851). Invitae Evidence Modeling of protein sequence and biophysical properties (such as structural, functional, and spatial information, amino acid conservation, physicochemical variation, residue mobility, and thermodynamic stability) indicates that this missense variant is not expected to disrupt MYLK2 protein function with a negative predictive value of 80%. In summary, the available evidence is currently insufficient to determine the role of this variant in disease. Therefore, it has been classified as a Variant of Uncertain Significance.

CHEO Genetics Diagnostic Laboratory, Children's Hospital of Eastern Ontario
Classification: Uncertain significance for Cardiomyopathy. Last evaluated: 2016-03-16. Review status: criteria provided, single submitter. Criteria: ACMG Guidelines, 2015. Collection method: clinical testing. Allele origin: germline. Study: Canadian Open Genetics Repository.

NM_033118.4(MYLK2):c.1183C>T (p.Leu395Phe)

Gene: MYLK2 (myosin light chain kinase 2; plus strand). Cytogenetic location: 20q11.21.
Variant type: single nucleotide variant.
Coding change: c.1183C>T on transcript NM_033118.4 (MANE Select); coding-DNA position 1183, C replaced by T.
Protein change: p.Leu395Phe; replaces leucine 395 with phenylalanine.
Molecular consequence: missense variant.
Genome position (GRCh38, 1-based): chr20:31,826,897, C>T. VCF-style: chr20-31826897-C-T. GRCh37 (hg19) VCF-style: chr20-30414700-C-T.
Other names: short protein forms L395F.
Identifiers: ClinVar variation 626851 (VCV000626851.4), dbSNP rs1568631895, ClinGen allele CA408527289.
Genomic context (GRCh38, chr20:31,826,897, plus strand): 5'-GACTACCATCTGACCGAGGTGGACACCATGGTGTTTGTCAGGCAGATCTGTGACGGGATC[C>T]TCTTCATGCACAAGATGAGGGTTTTGCACCTGGACCTCAAGGTACCAGACTGGGGCCTCC-3'
Protein context (NP_149109.1, residues 385-405): VFVRQICDGI[Leu395Phe]FMHKMRVLHL